The following is an entry in ClinVar:

NM_025099.6(CTC1):c.2436C>G (p.His812Gln)

Gene: CTC1 (CST telomere replication complex component 1; minus strand). Cytogenetic location: 17p13.1.
Variant type: single nucleotide variant.
Coding change: c.2436C>G on transcript NM_025099.6 (MANE Select); coding-DNA position 2436, C replaced by G.
Protein change: p.His812Gln; replaces histidine 812 with glutamine.
Molecular consequence: missense variant. On other transcripts: non-coding transcript variant (1).
Genome position (GRCh38, 1-based): chr17:8,231,765, G>C on the plus strand (C>G on the coding strand, the complement: CTC1 is on the minus strand). VCF-style: chr17-8231765-G-C. GRCh37 (hg19) VCF-style: chr17-8135083-G-C.
Other names: c.2436C>G, p.His812Gln (NM_001411067.1); short protein forms H812Q.
Identifiers: ClinVar variation 2179542 (VCV002179542.4), dbSNP rs1379714129, ClinGen allele CA397976700.
Genomic context (GRCh38, chr17:8,231,765, plus strand): 5'-ATGATGAAGTAGGACACTCACAGCGGGGCCAGGAGCTATGAGTCGGTACACCTGTCCCGG[G>C]TGCAAGAACTCAAACCAGCGGACTGAAGAGCCAAAGAAAATGAGGTGAACCTGGGAGGAT-3'
Protein context (NP_079375.3, residues 802-822): GSSVRWFEFL[His812Gln]PGQVYRLIAP

ClinVar aggregate classification (germline): Uncertain significance (1 of 4 stars; one submission).

Conditions:
Dyskeratosis congenita. Identifiers: Orphanet 1775, MedGen C0265965, MONDO:0015780.

Submission:

Labcorp Genetics (formerly Invitae), Labcorp
Classification: Uncertain significance for Dyskeratosis congenita. Last evaluated: 2022-08-08. Review status: criteria provided, single submitter. Criteria: Invitae Variant Classification Sherloc (09022015). Collection method: clinical testing. Allele origin: germline.
Comment: In summary, the available evidence is currently insufficient to determine the role of this variant in disease. Therefore, it has been classified as a Variant of Uncertain Significance. Algorithms developed to predict the effect of missense changes on protein structure and function are either unavailable or do not agree on the potential impact of this missense change (SIFT: "Tolerated"; PolyPhen-2: "Probably Damaging"; Align-GVGD: "Class C0"). This variant has not been reported in the literature in individuals affected with CTC1-related conditions. This variant is not present in population databases (gnomAD no frequency). This sequence change replaces histidine, which is basic and polar, with glutamine, which is neutral and polar, at codon 812 of the CTC1 protein (p.His812Gln).